The following is an entry in ClinVar:

ClinVar aggregate classification (germline): Uncertain significance (1 of 4 stars; one submission).

Allele frequency attached by ClinVar (database versions not stated): gnomAD exomes 0.00001; ExAC 0.00002.
gnomAD v4.1: 12 of 1,566,552 alleles (0.00077%); highest among the groups gnomAD compares: African/African-American, 0.0014%; no homozygotes.

Submission:

Labcorp Genetics (formerly Invitae), Labcorp
Classification: Uncertain significance. Last evaluated: 2025-08-10. Review status: criteria provided, single submitter. Criteria: Invitae Variant Classification Sherloc (09022015). Collection method: clinical testing. Allele origin: germline.
Comment: This sequence change replaces arginine, which is basic and polar, with cysteine, which is neutral and slightly polar, at codon 303 of the ALPK1 protein (p.Arg303Cys). This variant is present in population databases (rs769553986, gnomAD 0.007%). This variant has not been reported in the literature in individuals affected with ALPK1-related conditions. ClinVar contains an entry for this variant (Variation ID: 1908754). Invitae Evidence Modeling of protein sequence and biophysical properties (such as structural, functional, and spatial information, amino acid conservation, physicochemical variation, residue mobility, and thermodynamic stability) indicates that this missense variant is not expected to disrupt ALPK1 protein function with a negative predictive value of 80%. Algorithms developed to predict the effect of sequence changes on RNA splicing suggest that this variant may disrupt the consensus splice site. In summary, the available evidence is currently insufficient to determine the role of this variant in disease. Therefore, it has been classified as a Variant of Uncertain Significance.

NM_025144.4(ALPK1):c.907C>T (p.Arg303Cys)

Gene: ALPK1 (alpha kinase 1; plus strand). Cytogenetic location: 4q25.
Variant type: single nucleotide variant.
Coding change: c.907C>T on transcript NM_025144.4 (MANE Select); coding-DNA position 907, C replaced by T.
Protein change: p.Arg303Cys; replaces arginine 303 with cysteine.
Molecular consequence: missense variant.
Genome position (GRCh38, 1-based): chr4:112,430,454, C>T. VCF-style: chr4-112430454-C-T. GRCh37 (hg19) VCF-style: chr4-113351610-C-T.
Other names: c.907C>T, p.Arg303Cys (NM_001102406.2); c.673C>T, p.Arg225Cys (NM_001253884.2); short protein forms R225C, R303C.
Identifiers: ClinVar variation 1908754 (VCV001908754.5), dbSNP rs769553986, ClinGen allele CA3046622.